The following is an entry in ClinVar:

ClinVar aggregate classification (germline): Uncertain significance. Review status: criteria provided, multiple submitters, no conflicts (2 of 4 stars). 4 submissions from 4 submitters: Uncertain significance (4). Last evaluated 2025-10-23.

Conditions:
Hereditary cancer-predisposing syndrome. Also called: Neoplastic Syndromes, Hereditary; Hereditary Cancer Syndrome; Tumor predisposition; Hereditary neoplastic syndrome. Identifiers: Orphanet 140162, MedGen C0027672, MeSH D009386, MONDO:0015356.
Ataxia-telangiectasia syndrome (AT). Also called: LOUIS-BAR SYNDROME; Cerebello-oculocutaneous telangiectasia; Immunodeficiency with ataxia telangiectasia; Ataxia-telangiectasia, complementation group D; AT, COMPLEMENTATION GROUP C; Ataxia-telangiectasia, complementation group E. Identifiers: Orphanet 100, MedGen C0004135, MONDO:0008840, OMIM 208900.

Allele frequency attached by ClinVar (database versions not stated): gnomAD exomes below 0.00001.
gnomAD v4.1: 1 of 1,614,044 alleles (0.000062%); highest among the groups gnomAD compares: Non-Finnish European, 0.000085%; no homozygotes.

Submissions (4):

Ambry Genetics
Classification: Uncertain significance for Hereditary cancer-predisposing syndrome. Last evaluated: 2025-10-23. Review status: criteria provided, single submitter. Criteria: Ambry Variant Classification Scheme 2023. Collection method: clinical testing. Allele origin: germline.
Comment: The p.P2956L variant (also known as c.8867C>T), located in coding exon 61 of the ATM gene, results from a C to T substitution at nucleotide position 8867. The proline at codon 2956 is replaced by leucine, an amino acid with similar properties. This amino acid position is conserved. In addition, this alteration is predicted to be deleterious by in silico analysis. Based on the available evidence, the clinical significance of this variant remains unclear.

Mendelics
Classification: Uncertain significance. Last evaluated: 2022-05-04. Review status: criteria provided, single submitter. Criteria: Mendelics Assertion Criteria 2019. Collection method: clinical testing. Allele origin: germline.

Labcorp Genetics (formerly Invitae), Labcorp
Classification: Uncertain significance for Ataxia-telangiectasia syndrome. Last evaluated: 2022-04-30. Review status: criteria provided, single submitter. Criteria: Invitae Variant Classification Sherloc (09022015). Collection method: clinical testing. Allele origin: germline.
Comment: In summary, the available evidence is currently insufficient to determine the role of this variant in disease. Therefore, it has been classified as a Variant of Uncertain Significance. Advanced modeling of protein sequence and biophysical properties (such as structural, functional, and spatial information, amino acid conservation, physicochemical variation, residue mobility, and thermodynamic stability) performed at Invitae indicates that this missense variant is expected to disrupt ATM protein function. ClinVar contains an entry for this variant (Variation ID: 453753). This variant has not been reported in the literature in individuals affected with ATM-related conditions. This variant is not present in population databases (gnomAD no frequency). This sequence change replaces proline, which is neutral and non-polar, with leucine, which is neutral and non-polar, at codon 2956 of the ATM protein (p.Pro2956Leu).

Women's Health and Genetics/Laboratory Corporation of America, LabCorp
Classification: Uncertain significance. Last evaluated: 2020-06-29. Review status: criteria provided, single submitter. Criteria: LabCorp Variant Classification Summary - May 2015. Collection method: clinical testing. Allele origin: germline.
Comment: Variant summary: ATM c.8867C>T (p.Pro2956Leu) results in a non-conservative amino acid change located in the Phosphatidylinositol 3-/4-kinase, catalytic domain (IPR000403) of the encoded protein sequence. Five of five in-silico tools predict a damaging effect of the variant on protein function. The variant was absent in 251368 control chromosomes (gnomAD). The available data on variant occurrences in the general population are insufficient to allow any conclusion about variant significance. To our knowledge, no occurrence of c.8867C>T in individuals affected with Ataxia-Telangiectasia and no experimental evidence demonstrating its impact on protein function have been reported. A ClinVar submitter (evaluation after 2014) cites the variant as uncertain significance. Based on the evidence outlined above, the variant was classified as uncertain significance.

NM_000051.4(ATM):c.8867C>T (p.Pro2956Leu)

Genes: ATM (ATM serine/threonine kinase; plus strand), C11orf65 (chromosome 11 open reading frame 65; minus strand). Cytogenetic location: 11q22.3.
Variant type: single nucleotide variant.
Coding change: c.8867C>T on transcript NM_000051.4 (MANE Select); coding-DNA position 8867, C replaced by T.
Protein change: p.Pro2956Leu; replaces proline 2956 with leucine.
Molecular consequence: missense variant. On other transcripts: intron variant (2).
Genome position (GRCh38, 1-based): chr11:108,365,098, C>T. VCF-style: chr11-108365098-C-T. GRCh37 (hg19) VCF-style: chr11-108235825-C-T.
Other names: c.8867C>T, p.Pro2956Leu (NM_001351834.2); c.640+20822G>A (NM_001330368.2); c.694+20822G>A (NM_001351110.2); short protein forms P2956L.
Identifiers: ClinVar variation 453753 (VCV000453753.12), dbSNP rs1555151244, ClinGen allele CA382529600.